The following is an entry in ClinVar:

NM_006662.3(SRCAP):c.5491G>A (p.Ala1831Thr)

Gene: SRCAP (Snf2 related CREBBP activator protein; plus strand). Cytogenetic location: 16p11.2.
Variant type: single nucleotide variant.
Coding change: c.5491G>A on transcript NM_006662.3 (MANE Select); coding-DNA position 5491, G replaced by A.
Protein change: p.Ala1831Thr; replaces alanine 1831 with threonine.
Molecular consequence: missense variant.
Genome position (GRCh38, 1-based): chr16:30,724,915, G>A. VCF-style: chr16-30724915-G-A. GRCh37 (hg19) VCF-style: chr16-30736236-G-A.
Other names: short protein forms A1831T.
Identifiers: ClinVar variation 3025276 (VCV003025276.23), dbSNP rs372712109, ClinGen allele CA8011987.

ClinVar aggregate classification (germline): Conflicting classifications of pathogenicity. Review status: criteria provided, conflicting classifications (1 of 4 stars). 2 submissions from 2 submitters: Uncertain significance (1); Likely benign (1). Last evaluated 2024-06-04.

Conditions:
Developmental delay, hypotonia, musculoskeletal defects, and behavioral abnormalities. Identifiers: MedGen C5562012, MONDO:0859202, OMIM 619595.
Floating-Harbor syndrome (FLHS). Also called: Short stature with delayed bone age, expressive language delay, a triangular face with a prominent nose and deep-set eyes; Pelletier-Leisti syndrome; SRCAP-Related Floating-Harbor Syndrome. Identifiers: Orphanet 2044, MedGen C0729582, MONDO:0007621, OMIM 136140.

Allele frequency attached by ClinVar (database versions not stated): ExAC 0.00002; gnomAD exomes 0.00003; gnomAD 0.00005; ESP Exome Variant Server 0.00008; 1000 Genomes Project 0.00020; 1000 Genomes Project 30x 0.00031.
gnomAD v4.1: 56 of 1,614,172 alleles (0.0035%); highest among the groups gnomAD compares: South Asian, 0.013%; no homozygotes.

Submissions (2):

Fulgent Genetics
Classification: Uncertain significance for Floating-Harbor syndrome; Developmental delay, hypotonia, musculoskeletal defects, and behavioral abnormalities. Last evaluated: 2024-06-04. Review status: criteria provided, single submitter. Criteria: ACMG Guidelines, 2015. Collection method: clinical testing. Allele origin: germline.

CeGaT Center for Human Genetics Tuebingen
Classification: Likely benign. Last evaluated: 2024-01-01. Review status: criteria provided, single submitter. Criteria: CeGaT Center For Human Genetics Tuebingen Variant Classification Criteria Version 2. Collection method: clinical testing. Allele origin: germline. Affected: yes. Observed: 1 variant allele.
Comment: SRCAP: BP4